The following is an entry in ClinVar:

ClinVar aggregate classification (germline): Uncertain significance (1 of 4 stars; one submission).

Conditions:
Hereditary cancer-predisposing syndrome. Also called: Tumor predisposition; Hereditary neoplastic syndrome; Neoplastic Syndromes, Hereditary; Hereditary Cancer Syndrome. Identifiers: Orphanet 140162, MedGen C0027672, MeSH D009386, MONDO:0015356.

Submission:

Ambry Genetics
Classification: Uncertain significance for Hereditary cancer-predisposing syndrome. Last evaluated: 2018-11-04. Review status: criteria provided, single submitter. Criteria: Ambry Variant Classification Scheme 2023. Collection method: clinical testing. Allele origin: germline.
Comment: The c.1282_1283delTTinsGC variant, located in coding exon 12 of the FANCC gene, results from an in-frame deletion of TT and insertion of GC at nucleotide positions 1282 to 1283. This results in the substitution of the phenylalanine residue for an alanine residue at codon 428, an amino acid with dissimilar properties. This amino acid position is highly conserved in available vertebrate species. Since supporting evidence is limited at this time, the clinical significance of this alteration remains unclear.

NM_000136.3(FANCC):c.1282_1283delinsGC (p.Phe428Ala)

Genes: FANCC (FA complementation group C; minus strand), AOPEP (aminopeptidase O (putative); plus strand). Cytogenetic location: 9q22.32.
Variant type: Indel.
Coding change: c.1282_1283delinsGC on transcript NM_000136.3 (MANE Select); coding-DNA positions 1282 to 1283, TT replaced by GC.
Protein change: p.Phe428Ala; replaces phenylalanine 428 with alanine.
Molecular consequence: missense variant.
Genome position (GRCh38, 1-based): chr9:95,111,509-95,111,510, AA replaced by GC on the plus strand (TT replaced by GC on the coding strand, the reverse complement: FANCC is on the minus strand). VCF-style: chr9-95111509-AA-GC. GRCh37 (hg19) VCF-style: chr9-97873791-AA-GC.
Other names: c.1282_1283delinsGC, p.Phe428Ala (NM_001243743.2, NM_001243744.2); short protein forms F428A.
Identifiers: ClinVar variation 818788 (VCV000818788.4), dbSNP rs1588047935, ClinGen allele CA915947019.